The following is an entry in ClinVar:

NM_022464.5(SIL1):c.735T>C (p.Tyr245=)

Gene: SIL1 (SIL1 nucleotide exchange factor; minus strand). Cytogenetic location: 5q31.2.
Variant type: single nucleotide variant.
Coding change: c.735T>C on transcript NM_022464.5 (MANE Select); coding-DNA position 735, T replaced by C.
Protein change: p.Tyr245=; no amino-acid change (tyrosine 245 retained).
Molecular consequence: synonymous variant.
Genome position (GRCh38, 1-based): chr5:139,021,203, A>G on the plus strand (T>C on the coding strand, the complement: SIL1 is on the minus strand). VCF-style: chr5-139021203-A-G. GRCh37 (hg19) VCF-style: chr5-138356892-A-G.
Other names: c.735T>C, p.Tyr245= (NM_001037633.2).
Identifiers: ClinVar variation 2655726 (VCV002655726.24), dbSNP rs2546340331, ClinGen allele CA446599923.

ClinVar aggregate classification (germline): Likely benign (1 of 4 stars; one submission).

Submission:

CeGaT Center for Human Genetics Tuebingen
Classification: Likely benign. Last evaluated: 2022-03-01. Review status: criteria provided, single submitter. Criteria: CeGaT Center For Human Genetics Tuebingen Variant Classification Criteria Version 2. Collection method: clinical testing. Allele origin: germline. Affected: yes. Observed: 1 variant allele.
Comment: SIL1: BP4, BP7